The following is an entry in ClinVar:

ClinVar aggregate classification (germline): Benign/Likely benign. Review status: criteria provided, multiple submitters, no conflicts (2 of 4 stars). 3 submissions from 3 submitters: Benign (1); Likely benign (2). Last evaluated 2026-06-04.

Conditions:
Gastrointestinal stromal tumor. Also called: Gastrointestinal stroma tumor; Gastrointestinal stromal tumor, somatic. Identifiers: Orphanet 44890, MedGen C0238198, MeSH D046152, MONDO:0011719, OMIM 606764, HP:0100723.
Hereditary cancer-predisposing syndrome. Also called: Hereditary neoplastic syndrome; Neoplastic Syndromes, Hereditary; Hereditary Cancer Syndrome; Tumor predisposition. Identifiers: Orphanet 140162, MedGen C0027672, MeSH D009386, MONDO:0015356.

Allele frequency attached by ClinVar (database versions not stated): gnomAD exomes below 0.00001; ExAC 0.00002.

Submissions (3):

Myriad Genetics, Inc.
Classification: Benign for Gastrointestinal stromal tumor. Last evaluated: 2026-06-04. Review status: criteria provided, single submitter. Criteria: Myriad Autosomal Dominant, Autosomal Recessive and X-Linked Classification Criteria (2023). Collection method: clinical testing. Allele origin: unknown.
Comment: This variant is considered benign. This variant is a silent/synonymous amino acid change and it is not expected to impact splicing.

Ambry Genetics
Classification: Likely benign for Hereditary cancer-predisposing syndrome. Last evaluated: 2025-04-13. Review status: criteria provided, single submitter. Criteria: Ambry Variant Classification Scheme 2023. Collection method: clinical testing. Allele origin: germline.

Labcorp Genetics (formerly Invitae), Labcorp
Classification: Likely benign for Gastrointestinal stromal tumor. Last evaluated: 2022-07-05. Review status: criteria provided, single submitter. Criteria: Invitae Variant Classification Sherloc (09022015). Collection method: clinical testing. Allele origin: germline.

NM_000222.3(KIT):c.1974A>G (p.Gly658=)

Gene: KIT (KIT proto-oncogene, receptor tyrosine kinase; plus strand). Cytogenetic location: 4q12.
Variant type: single nucleotide variant.
Coding change: c.1974A>G on transcript NM_000222.3 (MANE Select); coding-DNA position 1974, A replaced by G.
Protein change: p.Gly658=; no amino-acid change (glycine 658 retained).
Molecular consequence: synonymous variant.
Genome position (GRCh38, 1-based): chr4:54,728,105, A>G. VCF-style: chr4-54728105-A-G. GRCh37 (hg19) VCF-style: chr4-55594271-A-G.
Other names: c.1962A>G, p.Gly654= (NM_001093772.2, NM_001385286.1); c.1977A>G, p.Gly659= (NM_001385284.1, NM_001385290.1); c.1974A>G, p.Gly658= (NM_001385285.1); c.1965A>G, p.Gly655= (NM_001385288.1, NM_001385292.1).
Identifiers: ClinVar variation 2042741 (VCV002042741.6), dbSNP rs778343194, ClinGen allele CA2923618.